The following is an entry in ClinVar:

ClinVar aggregate classification (germline): Uncertain significance (1 of 4 stars; one submission).

Conditions:
Peroxisome biogenesis disorder. Identifiers: Orphanet 79189, MedGen C1832200, MONDO:0019234. Disease mechanism: loss of function.

Allele frequency attached by ClinVar (database versions not stated): gnomAD exomes below 0.00001.
gnomAD v4.1: 1 of 1,610,808 alleles (0.000062%); highest among the groups gnomAD compares: South Asian, 0.0011%; no homozygotes.

Submission:

Labcorp Genetics (formerly Invitae), Labcorp
Classification: Uncertain significance for Peroxisome biogenesis disorder. Last evaluated: 2022-08-23. Review status: criteria provided, single submitter. Criteria: Invitae Variant Classification Sherloc (09022015). Collection method: clinical testing. Allele origin: germline.
Comment: This variant has not been reported in the literature in individuals affected with PEX6-related conditions. ClinVar contains an entry for this variant (Variation ID: 1390092). Algorithms developed to predict the effect of missense changes on protein structure and function output the following: SIFT: "Tolerated"; PolyPhen-2: "Probably Damaging"; Align-GVGD: "Class C0". The tyrosine amino acid residue is found in multiple mammalian species, which suggests that this missense change does not adversely affect protein function. In summary, the available evidence is currently insufficient to determine the role of this variant in disease. Therefore, it has been classified as a Variant of Uncertain Significance. This sequence change replaces histidine, which is basic and polar, with tyrosine, which is neutral and polar, at codon 589 of the PEX6 protein (p.His589Tyr). This variant is not present in population databases (gnomAD no frequency).

NM_000287.4(PEX6):c.1765C>T (p.His589Tyr)

Gene: PEX6 (peroxisomal biogenesis factor 6; minus strand). Cytogenetic location: 6p21.1.
Variant type: single nucleotide variant.
Coding change: c.1765C>T on transcript NM_000287.4 (MANE Select); coding-DNA position 1765, C replaced by T.
Protein change: p.His589Tyr; replaces histidine 589 with tyrosine.
Molecular consequence: missense variant. On other transcripts: non-coding transcript variant (1).
Genome position (GRCh38, 1-based): chr6:42,967,487, G>A on the plus strand (C>T on the coding strand, the complement: PEX6 is on the minus strand). VCF-style: chr6-42967487-G-A. GRCh37 (hg19) VCF-style: chr6-42935225-G-A.
Other names: c.1501C>T, p.His501Tyr (NM_001316313.2); short protein forms H501Y, H589Y.
Identifiers: ClinVar variation 1390092 (VCV001390092.8), dbSNP rs2114242678, ClinGen allele CA364153699.